The following is an entry in ClinVar:

NM_020832.3(ZNF687):c.784TTC[1] (p.Phe263del)

Gene: ZNF687 (zinc finger protein 687; plus strand). Cytogenetic location: 1q21.3.
Variant type: Microsatellite.
Coding change: c.784TTC[1] on transcript NM_020832.3 (MANE Select); one copy of the 3-base unit TTC starting at c.784; the reference has two copies in a row; one copy, 3 bases deleted.
Protein change: p.Phe263del; deletes phenylalanine 263.
Molecular consequence: inframe deletion.
Genome position (GRCh38, 1-based): chr1:151,287,078-151,287,080, TTC deleted; deleting any 3 consecutive bases within chr1:151,287,074-151,287,080 gives the same sequence; the position shown is the placement nearest the transcript's 3' end. VCF-style (leftmost placement, unchanged base first): chr1-151287073-CCTT-C. GRCh37 (hg19) VCF-style: chr1-151259549-CCTT-C.
Other names: c.784TTC[1], p.Phe263del (NM_001304763.2, NM_001304764.2); short protein forms F263del.
Identifiers: ClinVar variation 2047525 (VCV002047525.4), dbSNP rs587752303, ClinGen allele CA1088218.

ClinVar aggregate classification (germline): Uncertain significance (1 of 4 stars; one submission).

Submission:

Labcorp Genetics (formerly Invitae), Labcorp
Classification: Uncertain significance. Last evaluated: 2025-01-29. Review status: criteria provided, single submitter. Criteria: Invitae Variant Classification Sherloc (09022015). Collection method: clinical testing. Allele origin: germline.
Comment: This variant, c.787_789del, results in the deletion of 1 amino acid(s) of the ZNF687 protein (p.Phe263del), but otherwise preserves the integrity of the reading frame. This variant is present in population databases (rs587752303, gnomAD 0.2%), and has an allele count higher than expected for a pathogenic variant. This variant has not been reported in the literature in individuals affected with ZNF687-related conditions. Experimental studies and prediction algorithms are not available or were not evaluated, and the functional significance of this variant is currently unknown. In summary, the available evidence is currently insufficient to determine the role of this variant in disease. Therefore, it has been classified as a Variant of Uncertain Significance.